The following is an entry in ClinVar:

NM_001114753.3(ENG):c.806T>G (p.Met269Arg)

Gene: ENG (endoglin; minus strand). Cytogenetic location: 9q34.11.
Variant type: single nucleotide variant.
Coding change: c.806T>G on transcript NM_001114753.3 (MANE Select); coding-DNA position 806, T replaced by G.
Protein change: p.Met269Arg; replaces methionine 269 with arginine.
Molecular consequence: missense variant.
Genome position (GRCh38, 1-based): chr9:127,825,241, A>C on the plus strand (T>G on the coding strand, the complement: ENG is on the minus strand). VCF-style: chr9-127825241-A-C. GRCh37 (hg19) VCF-style: chr9-130587520-A-C.
Other names: c.806T>G, p.Met269Arg (NM_000118.4, NM_001406715.1); c.260T>G, p.Met87Arg (NM_001278138.2); short protein forms M269R, M87R.
Identifiers: ClinVar variation 937612 (VCV000937612.11), dbSNP rs752331196, ClinGen allele CA374983056.

ClinVar aggregate classification (germline): Pathogenic (1 of 4 stars; one submission).

Conditions:
Hereditary hemorrhagic telangiectasia (HHT). Also called: ORW DISEASE; Osler Weber Rendu syndrome; OSLER-RENDU-WEBER DISEASE; Osler hemorrhagic telangiectasia syndrome. Identifiers: Orphanet 774, MedGen C0039445, MONDO:0019180. Disease mechanism: loss of function.

Submission:

Labcorp Genetics (formerly Invitae), Labcorp
Classification: Pathogenic for Hereditary hemorrhagic telangiectasia. Last evaluated: 2023-05-27. Review status: criteria provided, single submitter. Criteria: Invitae Variant Classification Sherloc (09022015). Collection method: clinical testing. Allele origin: germline.
Comment: For these reasons, this variant has been classified as Pathogenic. This variant disrupts the p.Met269 amino acid residue in ENG. Other variant(s) that disrupt this residue have been determined to be pathogenic (Invitae). This suggests that this residue is clinically significant, and that variants that disrupt this residue are likely to be disease-causing. Advanced modeling of protein sequence and biophysical properties (such as structural, functional, and spatial information, amino acid conservation, physicochemical variation, residue mobility, and thermodynamic stability) has been performed at Invitae for this missense variant, however the output from this modeling did not meet the statistical confidence thresholds required to predict the impact of this variant on ENG protein function. ClinVar contains an entry for this variant (Variation ID: 937612). This missense change has been observed in individual(s) with hereditary hemorrhagic telangiectasia (PMID: 20414677; Invitae). This variant is not present in population databases (gnomAD no frequency). This sequence change replaces methionine, which is neutral and non-polar, with arginine, which is basic and polar, at codon 269 of the ENG protein (p.Met269Arg).

Literature cited by the submitters: PubMed 20414677.